The following is an entry in ClinVar:

ClinVar aggregate classification (germline): Uncertain significance (1 of 4 stars; one submission).

Conditions:
Inborn genetic diseases. Identifiers: MedGen C0950123, MeSH D030342.

Allele frequency attached by ClinVar (database versions not stated): gnomAD 0.00001.
gnomAD v4.1: 4 of 1,315,540 alleles (0.0003%); highest among the groups gnomAD compares: East Asian, 0.021%; no homozygotes.

Submission:

Ambry Genetics
Classification: Uncertain significance for Inborn genetic diseases. Last evaluated: 2021-12-15. Review status: criteria provided, single submitter. Criteria: Ambry Variant Classification Scheme 2023. Collection method: clinical testing. Allele origin: germline.
Comment: The p.R65K variant (also known as c.194G>A), located in coding exon 2 of the DST gene, results from a G to A substitution at nucleotide position 194. The arginine at codon 65 is replaced by lysine, an amino acid with highly similar properties. This amino acid position is highly conserved in available vertebrate species. In addition, the in silico prediction for this alteration is inconclusive. Since supporting evidence is limited at this time, the clinical significance of this alteration remains unclear.

NM_001374736.1(DST):c.194G>A (p.Arg65Lys)

Gene: DST (dystonin; minus strand). Cytogenetic location: 6p12.1.
Variant type: single nucleotide variant.
Coding change: c.194G>A on transcript NM_001374736.1 (MANE Select); coding-DNA position 194, G replaced by A.
Protein change: p.Arg65Lys; replaces arginine 65 with lysine.
Molecular consequence: missense variant.
Genome position (GRCh38, 1-based): chr6:56,953,807, C>T on the plus strand (G>A on the coding strand, the complement: DST is on the minus strand). VCF-style: chr6-56953807-C-T. GRCh37 (hg19) VCF-style: chr6-56818605-C-T.
Other names: c.194G>A, p.Arg65Lys (NM_001144769.5, NM_001374722.1, NM_001374734.1); short protein forms R65K.
Identifiers: ClinVar variation 1783200 (VCV001783200.2), dbSNP rs937693190, ClinGen allele CA364620296.
Genomic context (GRCh38, chr6:56,953,807, plus strand): 5'-CTTCTTCTGACCTTGAGCGTGCGCGCTAAATAAATTACCTCAGAACGAAAGTGGTGCGAT[C>T]TCAAAACAGCATCTGGGGAGAAAAGAGATAAATGAGACTTCATTTAACTCCTTGTTCTTC-3'
Protein context (NP_001361665.1, residues 55-75): GRSRSRDAVL[Arg65Lys]SHHFRSEGFR